The following is an entry in ClinVar:

ClinVar aggregate classification (germline): Uncertain significance (1 of 4 stars; one submission).

Submission:

Ambry Genetics
Classification: Uncertain significance. Last evaluated: 2025-05-01. Review status: criteria provided, single submitter. Criteria: Ambry Variant Classification Scheme 2023. Collection method: clinical testing. Allele origin: germline.
Comment: The p.Y120S variant (also known as c.359A>C), located in coding exon 4 of the SRP72 gene, results from an A to C substitution at nucleotide position 359. The tyrosine at codon 120 is replaced by serine, an amino acid with dissimilar properties. This amino acid position is conserved. In addition, this alteration is predicted to be deleterious by in silico analysis. Based on the available evidence, the clinical significance of this variant remains unclear.

NM_006947.4(SRP72):c.359A>C (p.Tyr120Ser)

Gene: SRP72 (signal recognition particle 72; plus strand). Cytogenetic location: 4q12.
Variant type: single nucleotide variant.
Coding change: c.359A>C on transcript NM_006947.4 (MANE Select); coding-DNA position 359, A replaced by C.
Protein change: p.Tyr120Ser; replaces tyrosine 120 with serine.
Molecular consequence: missense variant. On other transcripts: non-coding transcript variant (1).
Genome position (GRCh38, 1-based): chr4:56,474,058, A>C. VCF-style: chr4-56474058-A-C. GRCh37 (hg19) VCF-style: chr4-57340224-A-C.
Other names: c.359A>C, p.Tyr120Ser (NM_001267722.2); short protein forms Y120S.
Identifiers: ClinVar variation 3962089 (VCV003962089.1).
Genomic context (GRCh38, chr4:56,474,058, plus strand): 5'-TTAAAGACATAACACCATATTTGTCTCTGATTTTTTACTTGCTATTTATTATTCAGTTAT[A>C]CCGTTTGGAACGCTATGATGAATGCTTAGCAGTGTATAGAGATCTCGTCCGAAACTCCCA-3'
Protein context (NP_008878.3, residues 110-130): KLKELYGQVL[Tyr120Ser]RLERYDECLA